The following is an entry in ClinVar:

NM_002180.3(IGHMBP2):c.551C>G (p.Pro184Arg)

Gene: IGHMBP2 (immunoglobulin mu DNA binding protein 2; plus strand). Cytogenetic location: 11q13.3.
Variant type: single nucleotide variant.
Coding change: c.551C>G on transcript NM_002180.3 (MANE Select); coding-DNA position 551, C replaced by G.
Protein change: p.Pro184Arg; replaces proline 184 with arginine.
Molecular consequence: missense variant.
Genome position (GRCh38, 1-based): chr11:68,911,443, C>G. VCF-style: chr11-68911443-C-G. GRCh37 (hg19) VCF-style: chr11-68678911-C-G.
Other names: short protein forms P184R.
Identifiers: ClinVar variation 1948968 (VCV001948968.5), dbSNP rs754681347, ClinGen allele CA381643643.

ClinVar aggregate classification (germline): Uncertain significance (1 of 4 stars; one submission).

Conditions:
Autosomal recessive distal spinal muscular atrophy 1. Also called: NEURONOPATHY, DISTAL HEREDITARY MOTOR, HARDING TYPE VI; NEUROPATHY, DISTAL HEREDITARY MOTOR, AUTOSOMAL RECESSIVE 1; SEVERE INFANTILE AXONAL NEUROPATHY WITH RESPIRATORY FAILURE; SPINAL MUSCULAR ATROPHY, DIAPHRAGMATIC; HMN VI; NEURONOPATHY, SEVERE INFANTILE AXONAL, WITH RESPIRATORY FAILURE. Identifiers: Orphanet 98920, MedGen C1858517, MONDO:0011436, OMIM 604320.
Charcot-Marie-Tooth disease axonal type 2S. Also called: CHARCOT-MARIE-TOOTH NEUROPATHY, TYPE 2S; CHARCOT-MARIE-TOOTH DISEASE, AXONAL, AUTOSOMAL RECESSIVE, TYPE 2S. Identifiers: Orphanet 443073, MedGen C4015349, MONDO:0014511, OMIM 616155.

Submission:

Labcorp Genetics (formerly Invitae), Labcorp
Classification: Uncertain significance for Autosomal recessive distal spinal muscular atrophy 1; Charcot-Marie-Tooth disease axonal type 2S. Last evaluated: 2022-06-10. Review status: criteria provided, single submitter. Criteria: Invitae Variant Classification Sherloc (09022015). Collection method: clinical testing. Allele origin: germline.
Comment: This variant is not present in population databases (gnomAD no frequency). In summary, the available evidence is currently insufficient to determine the role of this variant in disease. Therefore, it has been classified as a Variant of Uncertain Significance. Advanced modeling of protein sequence and biophysical properties (such as structural, functional, and spatial information, amino acid conservation, physicochemical variation, residue mobility, and thermodynamic stability) performed at Invitae indicates that this missense variant is not expected to disrupt IGHMBP2 protein function. This variant has not been reported in the literature in individuals affected with IGHMBP2-related conditions. This sequence change replaces proline, which is neutral and non-polar, with arginine, which is basic and polar, at codon 184 of the IGHMBP2 protein (p.Pro184Arg).